The following is an entry in ClinVar:

ClinVar aggregate classification (germline): Uncertain significance. Review status: criteria provided, multiple submitters, no conflicts (2 of 4 stars). 2 submissions from 2 submitters: Uncertain significance (2). Last evaluated 2024-09-10.

Conditions:
Hereditary cancer-predisposing syndrome. Also called: Hereditary neoplastic syndrome; Neoplastic Syndromes, Hereditary; Tumor predisposition; Hereditary Cancer Syndrome. Identifiers: Orphanet 140162, MedGen C0027672, MeSH D009386, MONDO:0015356.

Submissions (2):

Ambry Genetics
Classification: Uncertain significance for Hereditary cancer-predisposing syndrome. Last evaluated: 2024-09-10. Review status: criteria provided, single submitter. Criteria: Ambry Variant Classification Scheme 2023. Collection method: clinical testing. Allele origin: germline.
Comment: The p.F258S variant (also known as c.773T>C), located in coding exon 4 of the MSH3 gene, results from a T to C substitution at nucleotide position 773. The phenylalanine at codon 258 is replaced by serine, an amino acid with highly dissimilar properties. This amino acid position is highly conserved in available vertebrate species. In addition, this alteration is predicted to be deleterious by in silico analysis. Based on the available evidence, the clinical significance of this variant remains unclear.

Labcorp Genetics (formerly Invitae), Labcorp
Classification: Uncertain significance. Last evaluated: 2024-04-10. Review status: criteria provided, single submitter. Criteria: Invitae Variant Classification Sherloc (09022015). Collection method: clinical testing. Allele origin: germline.
Comment: This sequence change replaces phenylalanine, which is neutral and non-polar, with serine, which is neutral and polar, at codon 258 of the MSH3 protein (p.Phe258Ser). This variant is not present in population databases (gnomAD no frequency). This variant has not been reported in the literature in individuals affected with MSH3-related conditions. ClinVar contains an entry for this variant (Variation ID: 1034797). An algorithm developed to predict the effect of missense changes on protein structure and function (PolyPhen-2) suggests that this variant is likely to be disruptive. In summary, the available evidence is currently insufficient to determine the role of this variant in disease. Therefore, it has been classified as a Variant of Uncertain Significance.

NM_002439.5(MSH3):c.773T>C (p.Phe258Ser)

Gene: MSH3 (mutS homolog 3; plus strand). Cytogenetic location: 5q14.1.
Variant type: single nucleotide variant.
Coding change: c.773T>C on transcript NM_002439.5 (MANE Select); coding-DNA position 773, T replaced by C.
Protein change: p.Phe258Ser; replaces phenylalanine 258 with serine.
Molecular consequence: missense variant.
Genome position (GRCh38, 1-based): chr5:80,670,290, T>C. VCF-style: chr5-80670290-T-C. GRCh37 (hg19) VCF-style: chr5-79966109-T-C.
Other names: short protein forms F258S.
Identifiers: ClinVar variation 1034797 (VCV001034797.10), dbSNP rs1749675875, ClinGen allele CA360266994.
Genomic context (GRCh38, chr5:80,670,290, plus strand): 5'-AAATGAAGCAGCAGCACAAAGATGCAGTTTTGTGTGTGGAATGTGGATATAAGTATAGAT[T>C]CTTTGGGGAAGATGCAGAGGTAAGTCGTCTTTTCAGGCACTATTTTATATTTTTCTTGTC-3'
Protein context (NP_002430.3, residues 248-268): LCVECGYKYR[Phe258Ser]FGEDAEIAAR